The following is an entry in ClinVar:

NM_000218.3(KCNQ1):c.386+16519_386+16522del

Gene: KCNQ1 (potassium voltage-gated channel subfamily Q member 1; plus strand). Cytogenetic location: 11p15.5.
Variant type: Deletion.
Coding change: c.386+16519_386+16522del on transcript NM_000218.3 (MANE Select); bases 16519 to 16522 of the intron after coding-DNA position 386, 4 bases deleted (TCCC; older notation c.386+16519_386+16522delTCCC).
Molecular consequence: intron variant.
Genome position (GRCh38, 1-based): chr11:2,462,003-2,462,006, TCCC deleted. VCF-style (leftmost placement, unchanged base first): chr11-2462002-GTCCC-G. GRCh37 (hg19) VCF-style: chr11-2483232-GTCCC-G.
Other names: c.386+16519_386+16522delTCCC (NM_000218.2); c.24+16519_24+16522del (NM_001406837.1); c.386+16519_386+16522del (NM_001406836.1, NM_001406838.1); c.5+289_5+292del (NM_181798.2).
Identifiers: ClinVar variation 680938 (VCV000680938.3), dbSNP rs202218721, ClinGen allele CA036445.

ClinVar aggregate classification (germline): Likely benign (1 of 4 stars; one submission).

Allele frequency attached by ClinVar (database versions not stated): 1000 Genomes Project 0.01757; 1000 Genomes Project 30x 0.01983; TOPMed 0.02445; gnomAD exomes 0.02518 and 0.03727; gnomAD 0.02643 and 0.02697; ExAC 0.04412.

Submission:

GeneDx
Classification: Likely benign. Last evaluated: 2018-06-14. Review status: criteria provided, single submitter. Criteria: GeneDx Variant Classification (06012015). Collection method: clinical testing. Allele origin: germline. Affected: yes.
Comment: This variant is considered likely benign or benign based on one or more of the following criteria: it is a conservative change, it occurs at a poorly conserved position in the protein, it is predicted to be benign by multiple in silico algorithms, and/or has population frequency not consistent with disease.